The following is an entry in ClinVar:

ClinVar aggregate classification (germline): Uncertain significance (1 of 4 stars; one submission).

Submission:

GeneDx
Classification: Uncertain significance. Last evaluated: 2022-01-27. Review status: criteria provided, single submitter. Criteria: GeneDx Variant Classification Process June 2021. Collection method: clinical testing. Allele origin: germline. Affected: yes.
Comment: Not observed at significant frequency in large population cohorts (gnomAD); In silico analysis supports that this missense variant does not alter protein structure/function; Has not been previously published as pathogenic or benign to our knowledge

NM_001039591.3(USP9X):c.3738C>G (p.Ile1246Met)

Gene: USP9X (ubiquitin specific peptidase 9 X-linked; plus strand). Cytogenetic location: Xp11.4.
Variant type: single nucleotide variant.
Coding change: c.3738C>G on transcript NM_001039591.3 (MANE Select); coding-DNA position 3738, C replaced by G.
Protein change: p.Ile1246Met; replaces isoleucine 1246 with methionine.
Molecular consequence: missense variant.
Genome position (GRCh38, 1-based): chrX:41,188,045, C>G. VCF-style: chrX-41188045-C-G. GRCh37 (hg19) VCF-style: chrX-41047298-C-G.
Other names: c.3738C>G, p.Ile1246Met (NM_001039590.3); short protein forms I1246M.
Identifiers: ClinVar variation 1700292 (VCV001700292.2), dbSNP rs2147168034, ClinGen allele CA412768596.
Genomic context (GRCh38, chrX:41,188,045, plus strand): 5'-CTTGCAGGCTTCAAGATATATGCCTGATATTTGTGTAATTAGAGCTATACAAAAAATTAT[C>G]TGGGCATCAGGATGTGGGTCGTTACAGCTAGTATTTAGCCCAAATGAAGAAATCACTAAA-3'
Protein context (NP_001034680.2, residues 1236-1256): ICVIRAIQKI[Ile1246Met]WASGCGSLQL